The following is an entry in ClinVar:

ClinVar aggregate classification (germline): Likely pathogenic (1 of 4 stars; one submission).

Conditions:
Microcephaly 2, primary, autosomal recessive, with or without cortical malformations. Also called: MICROCEPHALY 2, PRIMARY, AUTOSOMAL RECESSIVE, WITH CORTICAL MALFORMATIONS; WDR62 Primary Microcephaly. Identifiers: Orphanet 2512, MedGen C1858535, MONDO:0011435, OMIM 604317.

Allele frequency attached by ClinVar (database versions not stated): ExAC 0.00002.
gnomAD v4.1: 1 of 1,611,494 alleles (0.000062%); no homozygotes.

Submission:

Laboratory for Molecular Medicine, Mass General Brigham Personalized Medicine
Classification: Likely pathogenic for Microcephaly 2, primary, autosomal recessive, with or without cortical malformations. Last evaluated: 2024-03-28. Review status: criteria provided, single submitter. Criteria: ACMG Guidelines, 2015. Collection method: clinical testing. Allele origin: germline. Inheritance: Autosomal recessive inheritance.
Comment: The p.Gln499X variant in WDR62 has not been previously reported in individuals with microcephaly but has been identified in 0.00007% (1/1459130) of pan ethnic chromosomes by gnomAD (v.4.0.0). This nonsense variant leads to a premature termination codon at position 499, which is predicted to lead to a truncated or absent protein. Biallelic loss of function of the WDR62 gene is an established disease mechanism in autosomal recessive microcephaly (with or without cortical malformations). In summary, although additional studies are required to fully establish its clinical significance, this variant meets criteria to be classified as likely pathogenic for autosomal recessive primary microcephaly. ACMG/AMP Criteria applied: PVS1, PM2_Supporting.

NM_001083961.2(WDR62):c.1495C>T (p.Gln499Ter)

Gene: WDR62 (WD repeat domain 62; plus strand). Cytogenetic location: 19q13.12.
Variant type: single nucleotide variant.
Coding change: c.1495C>T on transcript NM_001083961.2 (MANE Select); coding-DNA position 1495, C replaced by T.
Protein change: p.Gln499Ter; replaces glutamine 499 with a stop codon.
Molecular consequence: nonsense.
Genome position (GRCh38, 1-based): chr19:36,083,186, C>T. VCF-style: chr19-36083186-C-T. GRCh37 (hg19) VCF-style: chr19-36574088-C-T.
Other names: c.1480C>T, p.Gln494Ter (NM_001411145.1); c.1495C>T, p.Gln499Ter (NM_001411146.1, NM_173636.5); c.1144C>T, p.Gln382Ter (NM_001411147.1); short protein forms Q382*, Q494*, Q499*.
Identifiers: ClinVar variation 3075991 (VCV003075991.1), dbSNP rs753012872, ClinGen allele CA9395621.